The following is an entry in ClinVar:

ClinVar aggregate classification (germline): Uncertain significance (1 of 4 stars; one submission).

Conditions:
Hereditary cancer-predisposing syndrome. Also called: Tumor predisposition; Neoplastic Syndromes, Hereditary; Hereditary neoplastic syndrome; Hereditary Cancer Syndrome. Identifiers: Orphanet 140162, MedGen C0027672, MeSH D009386, MONDO:0015356.

Submission:

Ambry Genetics
Classification: Uncertain significance for Hereditary cancer-predisposing syndrome. Last evaluated: 2025-08-27. Review status: criteria provided, single submitter. Criteria: Ambry Variant Classification Scheme 2023. Collection method: clinical testing. Allele origin: germline.
Comment: The p.P470R variant (also known as c.1409C>G), located in coding exon 14 of the MUTYH gene, results from a C to G substitution at nucleotide position 1409. The proline at codon 470 is replaced by arginine, an amino acid with dissimilar properties. This amino acid position is conserved. In addition, the in silico prediction for this alteration is inconclusive. Based on the available evidence, the clinical significance of this variant remains unclear.

NM_001048174.2(MUTYH):c.1325C>G (p.Pro442Arg)

Gene: MUTYH (mutY DNA glycosylase; minus strand). Cytogenetic location: 1p34.1.
Variant type: single nucleotide variant.
Coding change: c.1325C>G on transcript NM_001048174.2 (MANE Select); coding-DNA position 1325, C replaced by G.
Protein change: p.Pro442Arg; replaces proline 442 with arginine.
Molecular consequence: missense variant. On other transcripts: non-coding transcript variant (7).
Genome position (GRCh38, 1-based): chr1:45,331,249, G>C on the plus strand (C>G on the coding strand, the complement: MUTYH is on the minus strand). VCF-style: chr1-45331249-G-C. GRCh37 (hg19) VCF-style: chr1-45796921-G-C.
Other names: c.1325C>G, p.Pro442Arg (NM_001048171.2, NM_001048173.2, NM_001293195.2 and 6 more transcripts); c.1328C>G, p.Pro443Arg (NM_001048172.2, NM_001407071.1, NM_001407078.1 and 1 more transcripts); c.1409C>G, p.Pro470Arg (NM_001128425.2); c.1370C>G, p.Pro457Arg (NM_001293190.2); c.1358C>G, p.Pro453Arg (NM_001293191.2, NM_001407069.1, NM_001407077.1); c.1049C>G, p.Pro350Arg (NM_001293192.2, NM_001293196.2, NM_001407091.1); c.1400C>G, p.Pro467Arg (NM_012222.3); c.980C>G, p.Pro327Arg (NM_001350650.2, NM_001350651.2, NM_001407082.1); and 5 more; short protein forms P428R, P443R, P456R, P470R, P414R, P467R, P327R, P350R.
Identifiers: ClinVar variation 4113226 (VCV004113226.1).